The following is an entry in ClinVar:

ClinVar aggregate classification (germline): Uncertain significance (1 of 4 stars; one submission).

Submission:

Labcorp Genetics (formerly Invitae), Labcorp
Classification: Uncertain significance. Last evaluated: 2023-10-13. Review status: criteria provided, single submitter. Criteria: Invitae Variant Classification Sherloc (09022015). Collection method: clinical testing. Allele origin: unknown.
Comment: This variant results in a copy number gain of the genomic region encompassing exon(s) 3-4 of the PPP1CB gene. While the exact position of this variant cannot be determined from the data, sub-genic copy number gains are generally in tandem (PMID: 25640679). This variant is predicted to be in-frame, and likely preserves the integrity of the reading frame. This variant has not been reported in the literature in individuals affected with PPP1CB-related conditions. Experimental studies and prediction algorithms are not available or were not evaluated, and the functional significance of this variant is currently unknown. In summary, the available evidence is currently insufficient to determine the role of this variant in disease. Therefore, it has been classified as a Variant of Uncertain Significance.

Literature cited by the submitters: PubMed 25640679.

NC_000002.11:g.(?_28999697)_(29001925_?)dup

Gene: PPP1CB (protein phosphatase 1 catalytic subunit beta; plus strand). Cytogenetic location: 2p23.2.
Variant type: Duplication.
Identifiers: ClinVar variation 3247619 (VCV003247619.1).